The following is an entry in ClinVar:

NM_001144967.3(NEDD4L):c.1138T>C (p.Tyr380His)

Gene: NEDD4L (NEDD4 like E3 ubiquitin protein ligase; plus strand). Cytogenetic location: 18q21.31.
Variant type: single nucleotide variant.
Coding change: c.1138T>C on transcript NM_001144967.3 (MANE Select); coding-DNA position 1138, T replaced by C.
Protein change: p.Tyr380His; replaces tyrosine 380 with histidine.
Molecular consequence: missense variant. On other transcripts: intron variant (1).
Genome position (GRCh38, 1-based): chr18:58,341,050, T>C. VCF-style: chr18-58341050-T-C. GRCh37 (hg19) VCF-style: chr18-56008282-T-C.
Other names: c.775T>C, p.Tyr259His (NM_001144964.1, NM_001144965.2, NM_001144966.3); c.1114T>C, p.Tyr372His (NM_001144968.2); c.1054T>C, p.Tyr352His (NM_001144969.2); c.715T>C, p.Tyr239His (NM_001144970.3, NM_001144971.2); c.1078T>C, p.Tyr360His (NM_015277.6); c.1066-628T>C (NM_001243960.2); short protein forms Y352H, Y360H, Y380H, Y239H, Y259H, Y372H.
Identifiers: ClinVar variation 854559 (VCV000854559.9), dbSNP rs2042355371, ClinGen allele CA402560888.

ClinVar aggregate classification (germline): Uncertain significance (1 of 4 stars; one submission).

Submission:

Labcorp Genetics (formerly Invitae), Labcorp
Classification: Uncertain significance. Last evaluated: 2019-11-07. Review status: criteria provided, single submitter. Criteria: Invitae Variant Classification Sherloc (09022015). Collection method: clinical testing. Allele origin: germline.
Comment: This sequence change replaces tyrosine with histidine at codon 360 of the NEDD4L protein (p.Tyr360His). The tyrosine residue is moderately conserved and there is a moderate physicochemical difference between tyrosine and histidine. This variant is not present in population databases (ExAC no frequency). This variant has not been reported in the literature in individuals with NEDD4L-related conditions. Algorithms developed to predict the effect of missense changes on protein structure and function (SIFT, PolyPhen-2, Align-GVGD) all suggest that this variant is likely to be tolerated, but these predictions have not been confirmed by published functional studies and their clinical significance is uncertain. In summary, the available evidence is currently insufficient to determine the role of this variant in disease. Therefore, it has been classified as a Variant of Uncertain Significance.